The following is an entry in ClinVar:

NM_002435.3(MPI):c.124G>C (p.Glu42Gln)

Gene: MPI (mannose phosphate isomerase; plus strand). Cytogenetic location: 15q24.1.
Variant type: single nucleotide variant.
Coding change: c.124G>C on transcript NM_002435.3 (MANE Select); coding-DNA position 124, G replaced by C.
Protein change: p.Glu42Gln; replaces glutamic acid 42 with glutamine.
Molecular consequence: missense variant. On other transcripts: intron variant (1).
Genome position (GRCh38, 1-based): chr15:74,890,634, G>C. VCF-style: chr15-74890634-G-C. GRCh37 (hg19) VCF-style: chr15-75182975-G-C.
Other names: c.124G>C, p.Glu42Gln (NM_001289155.2, NM_001289157.2); c.64G>C, p.Glu22Gln (NM_001330372.2); c.-7+545G>C (NM_001289156.2); short protein forms E22Q, E42Q.
Identifiers: ClinVar variation 1918818 (VCV001918818.5), dbSNP rs1316039664, ClinGen allele CA393169588.

ClinVar aggregate classification (germline): Uncertain significance (1 of 4 stars; one submission).

Conditions:
MPI-congenital disorder of glycosylation. Also called: MPI DEFICIENCY; MANNOSEPHOSPHATE ISOMERASE DEFICIENCY; PROTEIN-LOSING ENTEROPATHY-HEPATIC FIBROSIS SYNDROME; MPI-CDG; CONGENITAL DISORDER OF GLYCOSYLATION, TYPE Ib; CDG Ib. Identifiers: Orphanet 79319, MedGen C1865145, MONDO:0011257, OMIM 602579.

Allele frequency attached by ClinVar (database versions not stated): TOPMed below 0.00001.
gnomAD v4.1: 4 of 1,614,080 alleles (0.00025%); highest among the groups gnomAD compares: East Asian, 0.0045%; no homozygotes.

Submission:

Labcorp Genetics (formerly Invitae), Labcorp
Classification: Uncertain significance for MPI-congenital disorder of glycosylation. Last evaluated: 2023-05-08. Review status: criteria provided, single submitter. Criteria: Invitae Variant Classification Sherloc (09022015). Collection method: clinical testing. Allele origin: germline.
Comment: Advanced modeling of protein sequence and biophysical properties (such as structural, functional, and spatial information, amino acid conservation, physicochemical variation, residue mobility, and thermodynamic stability) performed at Invitae indicates that this missense variant is not expected to disrupt MPI protein function. This variant has not been reported in the literature in individuals affected with MPI-related conditions. ClinVar contains an entry for this variant (Variation ID: 1918818). In summary, the available evidence is currently insufficient to determine the role of this variant in disease. Therefore, it has been classified as a Variant of Uncertain Significance. This variant is present in population databases (no rsID available, gnomAD 0.006%). This sequence change replaces glutamic acid, which is acidic and polar, with glutamine, which is neutral and polar, at codon 42 of the MPI protein (p.Glu42Gln).